The following is an entry in ClinVar:

ClinVar aggregate classification (germline): Conflicting classifications of pathogenicity. Review status: criteria provided, conflicting classifications (1 of 4 stars). 3 submissions from 3 submitters: Uncertain significance (1); Benign (1); Likely benign (1). Last evaluated 2025-02-16.

Allele frequency attached by ClinVar (database versions not stated): TOPMed below 0.00001.
gnomAD v4.1: 11 of 1,614,058 alleles (0.00068%); highest among the groups gnomAD compares: Non-Finnish European, 0.00093%; no homozygotes.

Submissions (3):

Laboratory of Genetics, Children's Clinical University Hospital Latvia
Classification: Benign. Last evaluated: 2025-02-16. Review status: criteria provided, single submitter. Criteria: ACMG Guidelines, 2015. Collection method: clinical testing. Allele origin: germline. Affected: yes.

Labcorp Genetics (formerly Invitae), Labcorp
Classification: Uncertain significance. Last evaluated: 2023-03-30. Review status: criteria provided, single submitter. Criteria: Invitae Variant Classification Sherloc (09022015). Collection method: clinical testing. Allele origin: germline.
Comment: In summary, the available evidence is currently insufficient to determine the role of this variant in disease. Therefore, it has been classified as a Variant of Uncertain Significance. Advanced modeling of protein sequence and biophysical properties (such as structural, functional, and spatial information, amino acid conservation, physicochemical variation, residue mobility, and thermodynamic stability) performed at Invitae indicates that this missense variant is not expected to disrupt TNFAIP3 protein function. ClinVar contains an entry for this variant (Variation ID: 1695166). This variant has not been reported in the literature in individuals affected with TNFAIP3-related conditions. This variant is present in population databases (no rsID available, gnomAD 0.006%). This sequence change replaces isoleucine, which is neutral and non-polar, with methionine, which is neutral and non-polar, at codon 69 of the TNFAIP3 protein (p.Ile69Met).

CeGaT Center for Human Genetics Tuebingen
Classification: Likely benign. Last evaluated: 2022-04-01. Review status: criteria provided, single submitter. Criteria: CeGaT Center For Human Genetics Tuebingen Variant Classification Criteria Version 2. Collection method: clinical testing. Allele origin: germline. Affected: yes. Observed: 1 variant allele.
Comment: TNFAIP3: BP4

NM_001270508.2(TNFAIP3):c.207C>G (p.Ile69Met)

Gene: TNFAIP3 (TNF alpha induced protein 3; plus strand). Cytogenetic location: 6q23.3.
Variant type: single nucleotide variant.
Coding change: c.207C>G on transcript NM_001270508.2 (MANE Select); coding-DNA position 207, C replaced by G.
Protein change: p.Ile69Met; replaces isoleucine 69 with methionine.
Molecular consequence: missense variant.
Genome position (GRCh38, 1-based): chr6:137,871,434, C>G. VCF-style: chr6-137871434-C-G. GRCh37 (hg19) VCF-style: chr6-138192571-C-G.
Other names: c.207C>G, p.Ile69Met (NM_001270507.2, NM_006290.4); short protein forms I69M.
Identifiers: ClinVar variation 1695166 (VCV001695166.35), dbSNP rs548932103, ClinGen allele CA365780628.